The following is an entry in ClinVar:

NM_004655.4(AXIN2):c.1413C>G (p.His471Gln)

Gene: AXIN2 (axin 2; minus strand). Cytogenetic location: 17q24.1.
Variant type: single nucleotide variant.
Coding change: c.1413C>G on transcript NM_004655.4 (MANE Select); coding-DNA position 1413, C replaced by G.
Protein change: p.His471Gln; replaces histidine 471 with glutamine.
Molecular consequence: missense variant.
Genome position (GRCh38, 1-based): chr17:65,537,623, G>C on the plus strand (C>G on the coding strand, the complement: AXIN2 is on the minus strand). VCF-style: chr17-65537623-G-C. GRCh37 (hg19) VCF-style: chr17-63533741-G-C.
Other names: c.1413C>G (LRG_296t1); c.1413C>G, p.His471Gln (NM_001363813.1); short protein forms H471Q.
Identifiers: ClinVar variation 651123 (VCV000651123.8), dbSNP rs1213025395, ClinGen allele CA400677552.

ClinVar aggregate classification (germline): Uncertain significance (1 of 4 stars; one submission).

Conditions:
Oligodontia-cancer predisposition syndrome. Also called: TOOTH AGENESIS-COLORECTAL CANCER SYNDROME. Identifiers: Orphanet 300576, MedGen C1837750, MONDO:0012075, OMIM 608615. Disease mechanism: loss of function.

Submission:

Labcorp Genetics (formerly Invitae), Labcorp
Classification: Uncertain significance for Oligodontia-cancer predisposition syndrome. Last evaluated: 2025-10-23. Review status: criteria provided, single submitter. Criteria: Invitae Variant Classification Sherloc (09022015). Collection method: clinical testing. Allele origin: germline.
Comment: This sequence change replaces histidine, which is basic and polar, with glutamine, which is neutral and polar, at codon 471 of the AXIN2 protein (p.His471Gln). This variant is not present in population databases (gnomAD no frequency). This variant has not been reported in the literature in individuals affected with AXIN2-related conditions. ClinVar contains an entry for this variant (Variation ID: 651123). Invitae Evidence Modeling of protein sequence and biophysical properties (such as structural, functional, and spatial information, amino acid conservation, physicochemical variation, residue mobility, and thermodynamic stability) indicates that this missense variant is not expected to disrupt AXIN2 protein function with a negative predictive value of 80%. In summary, the available evidence is currently insufficient to determine the role of this variant in disease. Therefore, it has been classified as a Variant of Uncertain Significance.